The following is an entry in ClinVar:

NM_003742.4(ABCB11):c.3419A>G (p.Asp1140Gly)

Gene: ABCB11 (ATP binding cassette subfamily B member 11; minus strand). Cytogenetic location: 2q31.1.
Variant type: single nucleotide variant.
Coding change: c.3419A>G on transcript NM_003742.4 (MANE Select); coding-DNA position 3419, A replaced by G.
Protein change: p.Asp1140Gly; replaces aspartic acid 1140 with glycine.
Molecular consequence: missense variant.
Genome position (GRCh38, 1-based): chr2:168,927,355, T>C on the plus strand (A>G on the coding strand, the complement: ABCB11 is on the minus strand). VCF-style: chr2-168927355-T-C. GRCh37 (hg19) VCF-style: chr2-169783865-T-C.
Other names: short protein forms D1140G.
Identifiers: ClinVar variation 4845962 (VCV004845962.1).

ClinVar aggregate classification (germline): Uncertain significance (1 of 4 stars; one submission).

Conditions:
Familial intrahepatic cholestasis. Identifiers: Orphanet 284385, MedGen CN296401, MONDO:0017290.

Submission:

Genomenon, Inc
Classification: Uncertain significance for Familial intrahepatic cholestasis. Last evaluated: 2026-04-14. Review status: criteria provided, single submitter. Criteria: Genomenon Sequence Variant Interpretation Standards - Updated. Collection method: curation. Allele origin: germline. Affected: yes.
Comment: ABCB11 p.Asp1140Gly (c.3419A>G) is a missense variant that changes the amino acid at residue 1140 from Aspartic acid to Glycine. This variant has been observed in at least one proband with an ABCB11-related disorder (PMID:32087350). It is absent or not present at a significant frequency in gnomAD. In silico models predict that this variant is possibly or probably damaging. In conclusion, we classify ABCB11 p.Asp1140Gly (c.3419A>G) as a variant of uncertain significance.

Literature cited by the submitters: PubMed 32087350.